The following is an entry in ClinVar:

NC_000017.10:g.(?_29475515)_(29592377_?)dup

Gene: NF1 (neurofibromin 1; plus strand). Cytogenetic location: 17q11.2.
Variant type: Duplication.
Identifiers: ClinVar variation 1402105 (VCV001402105.4).

ClinVar aggregate classification (germline): Pathogenic (1 of 4 stars; one submission).

Conditions:
Neurofibromatosis, type 1 (NF1). Also called: NEUROFIBROMATOSIS, TYPE I, SOMATIC; Peripheral type neurofibromatosis; Neurofibromatosis, type I; VON RECKLINGHAUSEN DISEASE. Identifiers: Orphanet 636, MedGen C0027831, MONDO:0018975, OMIM 162200. Disease mechanism: loss of function.

Submission:

Labcorp Genetics (formerly Invitae), Labcorp
Classification: Pathogenic for Neurofibromatosis, type 1. Last evaluated: 2021-09-29. Review status: criteria provided, single submitter. Criteria: Invitae Variant Classification Sherloc (09022015). Collection method: clinical testing. Allele origin: germline.
Comment: For these reasons, this variant has been classified as Pathogenic. A similar copy number variant has been observed in individuals with clinical features of neurofibromatosis type 1 (Invitae). This variant results in a copy number gain of the genomic region encompassing exon(s) 2-35 of the NF1 gene. While the exact position of this variant cannot be determined from the data, sub-genic copy number gains are generally in tandem (PMID: 25640679). This variant is predicted to be out-of-frame, and may result in an absent or disrupted protein product. Loss-of-function variants in NF1 are known to be pathogenic (PMID: 10712197, 23913538).

Literature cited by the submitters: PubMed 25640679; PubMed 10712197; PubMed 23913538.